The following is an entry in ClinVar:

NM_001283009.2(RTEL1):c.1660T>C (p.Tyr554His)

Genes: RTEL1 (regulator of telomere elongation helicase 1; plus strand), RTEL1-TNFRSF6B (RTEL1-TNFRSF6B readthrough (NMD candidate); plus strand). Cytogenetic location: 20q13.33.
Variant type: single nucleotide variant.
Coding change: c.1660T>C on transcript NM_001283009.2 (MANE Select); coding-DNA position 1660, T replaced by C.
Protein change: p.Tyr554His; replaces tyrosine 554 with histidine.
Molecular consequence: missense variant. On other transcripts: non-coding transcript variant (1).
Genome position (GRCh38, 1-based): chr20:63,688,324, T>C. VCF-style: chr20-63688324-T-C. GRCh37 (hg19) VCF-style: chr20-62319677-T-C.
Other names: c.991T>C, p.Tyr331His (NM_001283010.1); c.1660T>C, p.Tyr554His (NM_016434.4); c.1732T>C, p.Tyr578His (NM_032957.5); short protein forms Y331H, Y554H, Y578H.
Identifiers: ClinVar variation 2417667 (VCV002417667.10), dbSNP rs780025964, ClinGen allele CA9964916.

ClinVar aggregate classification (germline): Uncertain significance (1 of 4 stars; one submission).

Conditions:
Dyskeratosis congenita, autosomal recessive 5 (DKCB5). Identifiers: MedGen C3554656, MONDO:0014076, OMIM 615190.
Pulmonary fibrosis and/or bone marrow failure, Telomere-related, 3. Also called: PULMONARY FIBROSIS AND/OR BONE MARROW FAILURE SYNDROME, TELOMERE-RELATED, 3. Identifiers: Orphanet 2032, MedGen C4225346, MONDO:0014613, OMIM 616373.

Allele frequency attached by ClinVar (database versions not stated): gnomAD exomes 0.00001; ExAC 0.00001.
gnomAD v4.1: 4 of 1,612,548 alleles (0.00025%); highest among the groups gnomAD compares: Non-Finnish European, 0.00034%; no homozygotes.

Submission:

Labcorp Genetics (formerly Invitae), Labcorp
Classification: Uncertain significance for Dyskeratosis congenita, autosomal recessive 5; Pulmonary fibrosis and/or bone marrow failure, Telomere-related, 3. Last evaluated: 2025-11-09. Review status: criteria provided, single submitter. Criteria: Invitae Variant Classification Sherloc (09022015). Collection method: clinical testing. Allele origin: germline.
Comment: This sequence change replaces tyrosine, which is neutral and polar, with histidine, which is basic and polar, at codon 554 of the RTEL1 protein (p.Tyr554His). This variant is present in population databases (rs780025964, gnomAD 0.0009%). This variant has not been reported in the literature in individuals affected with RTEL1-related conditions. ClinVar contains an entry for this variant (Variation ID: 2417667). An algorithm developed to predict the effect of missense changes on protein structure and function outputs the following: PolyPhen-2: "Benign". The histidine amino acid residue is found in multiple mammalian species, which suggests that this missense change does not adversely affect protein function. In summary, the available evidence is currently insufficient to determine the role of this variant in disease. Therefore, it has been classified as a Variant of Uncertain Significance.